The following is an entry in ClinVar:

ClinVar aggregate classification (germline): Uncertain significance (1 of 4 stars; one submission).

Submission:

Labcorp Genetics (formerly Invitae), Labcorp
Classification: Uncertain significance. Last evaluated: 2022-06-29. Review status: criteria provided, single submitter. Criteria: Invitae Variant Classification Sherloc (09022015). Collection method: clinical testing. Allele origin: germline.
Comment: In summary, the available evidence is currently insufficient to determine the role of this variant in disease. Therefore, it has been classified as a Variant of Uncertain Significance. Advanced modeling of protein sequence and biophysical properties (such as structural, functional, and spatial information, amino acid conservation, physicochemical variation, residue mobility, and thermodynamic stability) performed at Invitae indicates that this missense variant is not expected to disrupt CACNA1B protein function. This variant has not been reported in the literature in individuals affected with CACNA1B-related conditions. This variant is not present in population databases (gnomAD no frequency). This sequence change replaces glycine, which is neutral and non-polar, with valine, which is neutral and non-polar, at codon 844 of the CACNA1B protein (p.Gly844Val).

NM_000718.4(CACNA1B):c.2531G>T (p.Gly844Val)

Gene: CACNA1B (calcium voltage-gated channel subunit alpha1 B; plus strand). Cytogenetic location: 9q34.3.
Variant type: single nucleotide variant.
Coding change: c.2531G>T on transcript NM_000718.4 (MANE Select); coding-DNA position 2531, G replaced by T.
Protein change: p.Gly844Val; replaces glycine 844 with valine.
Molecular consequence: missense variant.
Genome position (GRCh38, 1-based): chr9:138,023,274, G>T. VCF-style: chr9-138023274-G-T. GRCh37 (hg19) VCF-style: chr9-140917726-G-T.
Other names: c.2531G>T, p.Gly844Val (NM_001243812.2); short protein forms G844V.
Identifiers: ClinVar variation 2080319 (VCV002080319.4), dbSNP rs1453735882, ClinGen allele CA375809586.